The following is an entry in ClinVar:

NM_000352.6(ABCC8):c.536A>G (p.Tyr179Cys)

Gene: ABCC8 (ATP binding cassette subfamily C member 8; minus strand). Cytogenetic location: 11p15.1.
Variant type: single nucleotide variant.
Coding change: c.536A>G on transcript NM_000352.6 (MANE Select); coding-DNA position 536, A replaced by G.
Protein change: p.Tyr179Cys; replaces tyrosine 179 with cysteine.
Molecular consequence: missense variant. On other transcripts: non-coding transcript variant (1).
Genome position (GRCh38, 1-based): chr11:17,463,481, T>C on the plus strand (A>G on the coding strand, the complement: ABCC8 is on the minus strand). VCF-style: chr11-17463481-T-C. GRCh37 (hg19) VCF-style: chr11-17485028-T-C.
Other names: c.536A>G, p.Tyr179Cys (NM_001287174.3, NM_001351295.2, NM_001351296.2 and 1 more transcripts); short protein forms Y179C.
Identifiers: ClinVar variation 552617 (VCV000552617.8), dbSNP rs919281813, ClinGen allele CA218452824.

ClinVar aggregate classification (germline): Pathogenic. Review status: criteria provided, multiple submitters, no conflicts (2 of 4 stars). 3 submissions from 3 submitters: Pathogenic (2). 1 of the submissions does not count toward it. Last evaluated 2025-07-11.

Conditions:
Familial hyperinsulinism. Also called: Congenital hyperinsulinism. Identifiers: Orphanet 276525, MedGen C3888018, MONDO:0017182. Disease mechanism: loss of function.
Hyperinsulinemic hypoglycemia, familial, 1 (HHF1). Also called: HYPERINSULINISM, FAMILIAL, WITH PANCREATIC NESIDIOBLASTOSIS; HYPOGLYCEMIA, HYPERINSULINEMIC, OF INFANCY; Persistent hyperinsulinemic hypoglycemia of infancy; NESIDIOBLASTOSIS OF PANCREAS; Persistent Hyperinsulinemia Hypoglycemia of Infancy. Identifiers: Orphanet 276575, Orphanet 276598, MedGen C2931832, MONDO:0009734, OMIM 256450.

Allele frequency attached by ClinVar (database versions not stated): gnomAD exomes below 0.00001; TOPMed below 0.00001.
gnomAD v4.1: 2 of 1,605,246 alleles (0.00012%); highest among the groups gnomAD compares: Non-Finnish European, 0.000085%; no homozygotes.

Submissions (3):

Women's Health and Genetics/Laboratory Corporation of America, LabCorp
Classification: Pathogenic for Familial hyperinsulinism. Last evaluated: 2025-07-11. Review status: criteria provided, single submitter. Criteria: LabCorp Variant Classification Summary - May 2015. Collection method: clinical testing. Allele origin: germline.
Comment: Variant summary: ABCC8 c.536A>G (p.Tyr179Cys) results in a non-conservative amino acid change in the encoded protein sequence. Algorithms developed to predict the effect of missense changes on protein structure and function all suggest that this variant is likely to be disruptive. The variant was absent in 233834 control chromosomes. c.536A>G has been observed in multiple individuals affected with Familial Hyperinsulinism (Damaj_2008, Xu_2018, Bellann-Chantelot_2010). These data indicate that the variant is very likely to be associated with disease. To our knowledge, no experimental evidence demonstrating an impact on protein function has been reported. The following publications have been ascertained in the context of this evaluation (PMID: 36239000, 18796520, 30352420, 20685672). ClinVar contains an entry for this variant (Variation ID: 552617). Based on the evidence outlined above, the variant was classified as pathogenic.

Labcorp Genetics (formerly Invitae), Labcorp
Classification: Pathogenic. Last evaluated: 2022-05-02. Review status: criteria provided, single submitter. Criteria: Invitae Variant Classification Sherloc (09022015). Collection method: clinical testing. Allele origin: germline.
Comment: For these reasons, this variant has been classified as Pathogenic. Advanced modeling of protein sequence and biophysical properties (such as structural, functional, and spatial information, amino acid conservation, physicochemical variation, residue mobility, and thermodynamic stability) performed at Invitae indicates that this missense variant is expected to disrupt ABCC8 protein function. ClinVar contains an entry for this variant (Variation ID: 552617). This missense change has been observed in individual(s) with autosomal recessive diffuse or paternally inherited focal hyperinsulinism (PMID: 18796520, 20685672, 30352420). In at least one individual the data is consistent with being in trans (on the opposite chromosome) from a pathogenic variant. This variant is not present in population databases (gnomAD no frequency). This sequence change replaces tyrosine, which is neutral and polar, with cysteine, which is neutral and slightly polar, at codon 179 of the ABCC8 protein (p.Tyr179Cys).

Counsyl
Classification: Uncertain significance for Hyperinsulinemic hypoglycemia, familial, 1. Last evaluated: 2017-06-27. Review status: no assertion criteria provided. Collection method: clinical testing. Allele origin: unknown. Not counted in ClinVar's aggregate classification.

Literature cited by the submitters: PubMed 20685672 (cited by 3 submitters); PubMed 36239000 (cited by Women's Health and Genetics/Laboratory Corporation of America, LabCorp); PubMed 18796520 (cited by Women's Health and Genetics/Laboratory Corporation of America, LabCorp and Labcorp Genetics (formerly Invitae), Labcorp); PubMed 30352420 (cited by Women's Health and Genetics/Laboratory Corporation of America, LabCorp and Labcorp Genetics (formerly Invitae), Labcorp).